The following is an entry in ClinVar:

NM_030912.3(TRIM8):c.570+2C>A

Gene: TRIM8 (tripartite motif containing 8; plus strand). Cytogenetic location: 10q24.32.
Variant type: single nucleotide variant.
Coding change: c.570+2C>A on transcript NM_030912.3 (MANE Select); the canonical splice donor site of the intron after coding-DNA position 570, C replaced by A.
Molecular consequence: splice donor variant.
Genome position (GRCh38, 1-based): chr10:102,645,189, C>A. VCF-style: chr10-102645189-C-A. GRCh37 (hg19) VCF-style: chr10-104404946-C-A.
Other names: c.570+2C>A (NM_001345950.1).
Identifiers: ClinVar variation 3370622 (VCV003370622.1).
Genomic context (GRCh38, chr10:102,645,189, plus strand): 5'-GCGGCGCGCATCAGGGACACTCGGTGTGCGACGTGGAGATCCGAAGGAATGAAATCCGGG[C>A]AAGTACCCTACGCGCGCGCGCGCACACACACACACACAGACACACAGTCCCTTCCTCTCT-3'

ClinVar aggregate classification (germline): Uncertain significance (1 of 4 stars; one submission).

Submission:

GeneDx
Classification: Uncertain significance. Last evaluated: 2024-03-19. Review status: criteria provided, single submitter. Criteria: GeneDx Variant Classification Process June 2021. Collection method: clinical testing. Allele origin: germline. Affected: yes.
Comment: Not observed at significant frequency in large population cohorts (gnomAD); Canonical splice site variant in a gene for which loss-of-function is not an established mechanism of disease; Has not been previously published as pathogenic or benign to our knowledge